The following is an entry in ClinVar:

NM_006267.5(RANBP2):c.2045A>C (p.Asn682Thr)

Gene: RANBP2 (RAN binding protein 2; plus strand). Cytogenetic location: 2q13.
Variant type: single nucleotide variant.
Coding change: c.2045A>C on transcript NM_006267.5 (MANE Select); coding-DNA position 2045, A replaced by C.
Protein change: p.Asn682Thr; replaces asparagine 682 with threonine.
Molecular consequence: missense variant.
Genome position (GRCh38, 1-based): chr2:108,753,553, A>C. VCF-style: chr2-108753553-A-C. GRCh37 (hg19) VCF-style: chr2-109370009-A-C.
Other names: short protein forms N682T.
Identifiers: ClinVar variation 1465152 (VCV001465152.9), dbSNP rs1261658491, ClinGen allele CA348053799.

ClinVar aggregate classification (germline): Uncertain significance (1 of 4 stars; one submission).

Conditions:
Familial acute necrotizing encephalopathy (IIAE3). Also called: ENCEPHALOPATHY, ACUTE, INFECTION-INDUCED, SUSCEPTIBILITY TO, 3; Susceptibility to Acute Necrotizing Encephalopathy 1. Identifiers: Orphanet 88619, MedGen C2675556, MONDO:0011953, OMIM 608033.

Submission:

Labcorp Genetics (formerly Invitae), Labcorp
Classification: Uncertain significance for Familial acute necrotizing encephalopathy. Last evaluated: 2021-06-02. Review status: criteria provided, single submitter. Criteria: Invitae Variant Classification Sherloc (09022015). Collection method: clinical testing. Allele origin: germline.
Comment: This sequence change replaces asparagine with threonine at codon 682 of the RANBP2 protein (p.Asn682Thr). The asparagine residue is highly conserved and there is a small physicochemical difference between asparagine and threonine. This variant is not present in population databases (ExAC no frequency). This variant has not been reported in the literature in individuals with RANBP2-related conditions. Algorithms developed to predict the effect of missense changes on protein structure and function are either unavailable or do not agree on the potential impact of this missense change (SIFT: "Deleterious"; PolyPhen-2: "Benign"; Align-GVGD: "Class C55"). In summary, the available evidence is currently insufficient to determine the role of this variant in disease. Therefore, it has been classified as a Variant of Uncertain Significance.